The following is an entry in ClinVar:

NM_020800.3(IFT80):c.952A>T (p.Met318Leu)

Genes: IFT80 (intraflagellar transport 80; minus strand), TRIM59-IFT80 (TRIM59-IFT80 readthrough (NMD candidate); minus strand). Cytogenetic location: 3q25.33.
Variant type: single nucleotide variant.
Coding change: c.952A>T on transcript NM_020800.3 (MANE Select); coding-DNA position 952, A replaced by T.
Protein change: p.Met318Leu; replaces methionine 318 with leucine.
Molecular consequence: missense variant. On other transcripts: non-coding transcript variant (3).
Genome position (GRCh38, 1-based): chr3:160,319,765, T>A on the plus strand (A>T on the coding strand, the complement: IFT80 is on the minus strand). VCF-style: chr3-160319765-T-A. GRCh37 (hg19) VCF-style: chr3-160037553-T-A.
Other names: c.541A>T, p.Met181Leu (NM_001190241.2, NM_001190242.2); short protein forms M181L, M318L.
Identifiers: ClinVar variation 961768 (VCV000961768.9), dbSNP rs1718070417, ClinGen allele CA355195328.

ClinVar aggregate classification (germline): Uncertain significance (1 of 4 stars; one submission).

Conditions:
Jeune thoracic dystrophy. Also called: Jeune syndrome; Infantile thoracic dystrophy; Thoracic pelvic phalangeal dystrophy; Jeune's syndrome; Chondroectodermal dysplasia-like syndrome; Short-rib thoracic dysplasia. Identifiers: Orphanet 474, MedGen C0265275, MONDO:0018770.

Allele frequency attached by ClinVar (database versions not stated): gnomAD exomes below 0.00001.
gnomAD v4.1: 2 of 1,612,672 alleles (0.00012%); highest among the groups gnomAD compares: Non-Finnish European, 0.00017%; no homozygotes.

Submission:

Labcorp Genetics (formerly Invitae), Labcorp
Classification: Uncertain significance for Jeune thoracic dystrophy. Last evaluated: 2022-10-25. Review status: criteria provided, single submitter. Criteria: Invitae Variant Classification Sherloc (09022015). Collection method: clinical testing. Allele origin: germline.
Comment: This sequence change replaces methionine, which is neutral and non-polar, with leucine, which is neutral and non-polar, at codon 318 of the IFT80 protein (p.Met318Leu). This variant is not present in population databases (gnomAD no frequency). This variant has not been reported in the literature in individuals affected with IFT80-related conditions. ClinVar contains an entry for this variant (Variation ID: 961768). Advanced modeling of protein sequence and biophysical properties (such as structural, functional, and spatial information, amino acid conservation, physicochemical variation, residue mobility, and thermodynamic stability) performed at Invitae indicates that this missense variant is not expected to disrupt IFT80 protein function. In summary, the available evidence is currently insufficient to determine the role of this variant in disease. Therefore, it has been classified as a Variant of Uncertain Significance.